The following is an entry in ClinVar:

ClinVar aggregate classification (germline): Uncertain significance (1 of 4 stars; one submission).

Allele frequency attached by ClinVar (database versions not stated): gnomAD exomes below 0.00001.
gnomAD v4.1: 2 of 1,614,104 alleles (0.00012%); highest among the groups gnomAD compares: Non-Finnish European, 0.00017%; no homozygotes.

Submission:

Labcorp Genetics (formerly Invitae), Labcorp
Classification: Uncertain significance. Last evaluated: 2022-08-19. Review status: criteria provided, single submitter. Criteria: Invitae Variant Classification Sherloc (09022015). Collection method: clinical testing. Allele origin: germline.
Comment: This variant is not present in population databases (gnomAD no frequency). This sequence change replaces isoleucine, which is neutral and non-polar, with methionine, which is neutral and non-polar, at codon 535 of the LRP6 protein (p.Ile535Met). This variant has not been reported in the literature in individuals affected with LRP6-related conditions. In summary, the available evidence is currently insufficient to determine the role of this variant in disease. Therefore, it has been classified as a Variant of Uncertain Significance. Algorithms developed to predict the effect of missense changes on protein structure and function are either unavailable or do not agree on the potential impact of this missense change (SIFT: "Deleterious"; PolyPhen-2: "Possibly Damaging"; Align-GVGD: "Class C0").

NM_002336.3(LRP6):c.1605A>G (p.Ile535Met)

Gene: LRP6 (LDL receptor related protein 6; minus strand). Cytogenetic location: 12p13.2.
Variant type: single nucleotide variant.
Coding change: c.1605A>G on transcript NM_002336.3 (MANE Select); coding-DNA position 1605, A replaced by G.
Protein change: p.Ile535Met; replaces isoleucine 535 with methionine.
Molecular consequence: missense variant.
Genome position (GRCh38, 1-based): chr12:12,165,236, T>C on the plus strand (A>G on the coding strand, the complement: LRP6 is on the minus strand). VCF-style: chr12-12165236-T-C. GRCh37 (hg19) VCF-style: chr12-12318170-T-C.
Other names: c.1605A>G, p.Ile535Met (NM_001414244.1, NM_001414245.1, NM_001414246.1 and 4 more transcripts); c.1407A>G, p.Ile469Met (NM_001414247.1); c.1152A>G, p.Ile384Met (NM_001414252.1, NM_001414253.1, NM_001414254.1); short protein forms I469M, I384M, I535M.
Identifiers: ClinVar variation 2123771 (VCV002123771.4), dbSNP rs2498881904, ClinGen allele CA383947264.